The following is an entry in ClinVar:

ClinVar aggregate classification (germline): Uncertain significance (1 of 4 stars; one submission).

Conditions:
Familial episodic pain syndrome with predominantly lower limb involvement. Also called: Episodic pain syndrome, familial, 3. Identifiers: Orphanet 391384, Orphanet 391392, MedGen C3809899, MONDO:0014247, OMIM 615552.
Hereditary sensory and autonomic neuropathy type 7. Also called: HSAN VII; Neuropathy, hereditary sensory and autonomic, type VII. Identifiers: Orphanet 391397, MedGen C3809882, MONDO:0014244, OMIM 615548.

Allele frequency attached by ClinVar (database versions not stated): gnomAD exomes below 0.00001.
gnomAD v4.1: 4 of 1,614,078 alleles (0.00025%); highest among the groups gnomAD compares: Non-Finnish European, 0.00034%; no homozygotes.

Submission:

Labcorp Genetics (formerly Invitae), Labcorp
Classification: Uncertain significance for Familial episodic pain syndrome with predominantly lower limb involvement; Hereditary sensory and autonomic neuropathy type 7. Last evaluated: 2019-07-07. Review status: criteria provided, single submitter. Criteria: Invitae Variant Classification Sherloc (09022015). Collection method: clinical testing. Allele origin: germline.
Comment: Algorithms developed to predict the effect of missense changes on protein structure and function (SIFT, PolyPhen-2, Align-GVGD) all suggest that this variant is likely to be disruptive, but these predictions have not been confirmed by published functional studies and their clinical significance is uncertain. This sequence change replaces arginine with glycine at codon 819 of the SCN11A protein (p.Arg819Gly). The arginine residue is moderately conserved and there is a moderate physicochemical difference between arginine and glycine. This variant is not present in population databases (ExAC no frequency). This variant has not been reported in the literature in individuals with SCN11A-related conditions. In summary, the available evidence is currently insufficient to determine the role of this variant in disease. Therefore, it has been classified as a Variant of Uncertain Significance.

NM_001349253.2(SCN11A):c.2455A>G (p.Arg819Gly)

Gene: SCN11A (sodium voltage-gated channel alpha subunit 11; minus strand). Cytogenetic location: 3p22.2.
Variant type: single nucleotide variant.
Coding change: c.2455A>G on transcript NM_001349253.2 (MANE Select); coding-DNA position 2455, A replaced by G.
Protein change: p.Arg819Gly; replaces arginine 819 with glycine.
Molecular consequence: missense variant.
Genome position (GRCh38, 1-based): chr3:38,894,913, T>C on the plus strand (A>G on the coding strand, the complement: SCN11A is on the minus strand). VCF-style: chr3-38894913-T-C. GRCh37 (hg19) VCF-style: chr3-38936404-T-C.
Other names: c.2455A>G, p.Arg819Gly (NM_014139.3); short protein forms R819G.
Identifiers: ClinVar variation 963848 (VCV000963848.7), dbSNP rs1553637085, ClinGen allele CA352175108.
Genomic context (GRCh38, chr3:38,894,913, plus strand): 5'-ATCGATCCAGTGCTAACTGGACTTTAGTTTTCCTGGCCTCTCCTTCTAAGTTTCCATTTC[T>C]TTCCTCATTGCTAAAGGAATTGAGCAGTAAGGCAATGAAGAGGTTGAGCACCTGGGAATG-3'
Protein context (NP_001336182.1, residues 809-829): LLLNSFSNEE[Arg819Gly]NGNLEGEARK